The following is an entry in ClinVar:

NM_199355.4(ADAMTS18):c.770G>A (p.Arg257His)

Gene: ADAMTS18 (ADAM metallopeptidase with thrombospondin type 1 motif 18; minus strand). Cytogenetic location: 16q23.1.
Variant type: single nucleotide variant.
Coding change: c.770G>A on transcript NM_199355.4 (MANE Select); coding-DNA position 770, G replaced by A.
Protein change: p.Arg257His; replaces arginine 257 with histidine.
Molecular consequence: missense variant.
Genome position (GRCh38, 1-based): chr16:77,367,449, C>T on the plus strand (G>A on the coding strand, the complement: ADAMTS18 is on the minus strand). VCF-style: chr16-77367449-C-T. GRCh37 (hg19) VCF-style: chr16-77401346-C-T.
Other names: c.250G>A, p.Ala84Thr (NM_001326358.2); short protein forms A84T, R257H.
Identifiers: ClinVar variation 2662162 (VCV002662162.1), dbSNP rs891093965, ClinGen allele CA396823859.

ClinVar aggregate classification (germline): Uncertain significance (1 of 4 stars; one submission).

gnomAD v4.1: 6 of 1,614,044 alleles (0.00037%); highest among the groups gnomAD compares: Non-Finnish European, 0.00042%; no homozygotes.

Submission:

GeneDx
Classification: Uncertain significance. Last evaluated: 2023-04-11. Review status: criteria provided, single submitter. Criteria: GeneDx Variant Classification Process June 2021. Collection method: clinical testing. Allele origin: germline. Affected: yes.
Comment: Not observed at significant frequency in large population cohorts (gnomAD); In silico analysis supports that this missense variant has a deleterious effect on protein structure/function; Has not been previously published as pathogenic or benign to our knowledge